The following is an entry in ClinVar:

NM_207312.3(TUBA3E):c.1155G>A (p.Ala385=)

Genes: MZT2B (mitotic spindle organizing protein 2B; plus strand), TUBA3E (tubulin alpha 3e; minus strand). Cytogenetic location: 2q21.1.
Variant type: single nucleotide variant.
Coding change: c.1155G>A on transcript NM_207312.3 (MANE Select); coding-DNA position 1155, G replaced by A.
Protein change: p.Ala385=; no amino-acid change (alanine 385 retained).
Molecular consequence: synonymous variant.
Genome position (GRCh38, 1-based): chr2:130,192,029, C>T on the plus strand (G>A on the coding strand, the complement: TUBA3E is on the minus strand). VCF-style: chr2-130192029-C-T. GRCh37 (hg19) VCF-style: chr2-130949602-C-T.
Identifiers: ClinVar variation 2651366 (VCV002651366.24), dbSNP rs147352341, ClinGen allele CA1870760.
Genomic context (GRCh38, chr2:130,192,029, plus strand): 5'-CACAAAGGCCCACTTGGCATACATGAGATCGAACTTATGGACCAGGCGGGCCCAGGCCTC[C>T]GCAATGGCCGTGGTGTTGCTCAGCATGCACACGGCCCGCTGCACCTTGGCCAGGTCTCCC-3'
Protein context (NP_997195.2, residues 375-395): VCMLSNTTAI[Ala385=]EAWARLVHKF

ClinVar aggregate classification (germline): Likely benign (1 of 4 stars; one submission).

Allele frequency attached by ClinVar (database versions not stated): gnomAD 0.00014; TOPMed 0.00015; ExAC 0.00016; ESP Exome Variant Server 0.00023; 1000 Genomes Project 0.00040; 1000 Genomes Project 30x 0.00047.
gnomAD v4.1: 437 of 1,614,108 alleles (0.027%); highest among the groups gnomAD compares: Middle Eastern, 0.049%; no homozygotes.

Submission:

CeGaT Center for Human Genetics Tuebingen
Classification: Likely benign. Last evaluated: 2024-04-01. Review status: criteria provided, single submitter. Criteria: CeGaT Center For Human Genetics Tuebingen Variant Classification Criteria Version 2. Collection method: clinical testing. Allele origin: germline. Affected: yes. Observed: 2 variant alleles.
Comment: TUBA3E: BP4, BP7